The following is an entry in ClinVar:

NM_004655.4(AXIN2):c.2142-10G>C

Gene: AXIN2 (axin 2; minus strand). Cytogenetic location: 17q24.1.
Variant type: single nucleotide variant.
Coding change: c.2142-10G>C on transcript NM_004655.4 (MANE Select); 10 bases into the intron before coding-DNA position 2142, G replaced by C.
Molecular consequence: intron variant.
Genome position (GRCh38, 1-based): chr17:65,535,731, C>G on the plus strand (G>C on the coding strand, the complement: AXIN2 is on the minus strand). VCF-style: chr17-65535731-C-G. GRCh37 (hg19) VCF-style: chr17-63531849-C-G.
Other names: c.1947-10G>C (NM_001363813.1).
Identifiers: ClinVar variation 668237 (VCV000668237.13), dbSNP rs550146601, ClinGen allele CA8718390.

ClinVar aggregate classification (germline): Likely benign. Review status: criteria provided, multiple submitters, no conflicts (2 of 4 stars). 3 submissions from 3 submitters: Likely benign (3). Last evaluated 2025-12-21.

Conditions:
Oligodontia-cancer predisposition syndrome. Also called: TOOTH AGENESIS-COLORECTAL CANCER SYNDROME. Identifiers: Orphanet 300576, MedGen C1837750, MONDO:0012075, OMIM 608615. Disease mechanism: loss of function.

Allele frequency attached by ClinVar (database versions not stated): gnomAD below 0.00001 and 0.00003; ExAC 0.00013; 1000 Genomes Project 30x 0.00016; 1000 Genomes Project 0.00020.
gnomAD v4.1: 115 of 1,612,846 alleles (0.0071%); highest among the groups gnomAD compares: South Asian, 0.12%; 1 homozygote.

Submissions (3):

Labcorp Genetics (formerly Invitae), Labcorp
Classification: Likely benign for Oligodontia-cancer predisposition syndrome. Last evaluated: 2025-12-21. Review status: criteria provided, single submitter. Criteria: Invitae Variant Classification Sherloc (09022015). Collection method: clinical testing. Allele origin: germline.

Myriad Genetics, Inc.
Classification: Likely benign for Oligodontia-cancer predisposition syndrome. Last evaluated: 2024-07-10. Review status: criteria provided, single submitter. Criteria: Myriad Autosomal Dominant, Autosomal Recessive and X-Linked Classification Criteria (2023). Collection method: clinical testing. Allele origin: unknown.
Comment: This variant is considered likely benign. This variant is intronic and is not expected to impact mRNA splicing.

GeneDx
Classification: Likely benign. Last evaluated: 2018-05-30. Review status: criteria provided, single submitter. Criteria: GeneDx Variant Classification (06012015). Collection method: clinical testing. Allele origin: germline. Affected: yes.
Comment: This variant is considered likely benign or benign based on one or more of the following criteria: it is a conservative change, it occurs at a poorly conserved position in the protein, it is predicted to be benign by multiple in silico algorithms, and/or has population frequency not consistent with disease.